The following is an entry in ClinVar:

ClinVar aggregate classification (germline): Uncertain significance (1 of 4 stars; one submission).

Conditions:
Cone-rod dystrophy 6 (CORD6). Also called: Cone dystrophy progressive; RETINAL CONE DYSTROPHY 2. Identifiers: Orphanet 1872, MedGen C1866293, MONDO:0011143, OMIM 601777.
Leber congenital amaurosis 1 (LCA1). Also called: Congenital absence of the rods and cones; Leber's congenital tapetoretinal degeneration; Leber's congenital tapetoretinal dysplasia; AMAUROSIS CONGENITA OF LEBER I; RETINAL BLINDNESS, CONGENITAL. Identifiers: Orphanet 65, MedGen C2931258, MONDO:0008764, OMIM 204000.

Submission:

Labcorp Genetics (formerly Invitae), Labcorp
Classification: Uncertain significance for Leber congenital amaurosis 1; Cone-rod dystrophy 6. Last evaluated: 2023-09-24. Review status: criteria provided, single submitter. Criteria: Invitae Variant Classification Sherloc (09022015). Collection method: clinical testing. Allele origin: germline.
Comment: This sequence change replaces leucine, which is neutral and non-polar, with phenylalanine, which is neutral and non-polar, at codon 587 of the GUCY2D protein (p.Leu587Phe). This variant is not present in population databases (gnomAD no frequency). This variant has not been reported in the literature in individuals affected with GUCY2D-related conditions. Advanced modeling of protein sequence and biophysical properties (such as structural, functional, and spatial information, amino acid conservation, physicochemical variation, residue mobility, and thermodynamic stability) performed at Invitae indicates that this missense variant is not expected to disrupt GUCY2D protein function. In summary, the available evidence is currently insufficient to determine the role of this variant in disease. Therefore, it has been classified as a Variant of Uncertain Significance.

NM_000180.4(GUCY2D):c.1759C>T (p.Leu587Phe)

Gene: GUCY2D (guanylate cyclase 2D, retinal; plus strand). Cytogenetic location: 17p13.1.
Variant type: single nucleotide variant.
Coding change: c.1759C>T on transcript NM_000180.4 (MANE Select); coding-DNA position 1759, C replaced by T.
Protein change: p.Leu587Phe; replaces leucine 587 with phenylalanine.
Molecular consequence: missense variant.
Genome position (GRCh38, 1-based): chr17:8,012,153, C>T. VCF-style: chr17-8012153-C-T. GRCh37 (hg19) VCF-style: chr17-7915471-C-T.
Other names: short protein forms L587F.
Identifiers: ClinVar variation 2952239 (VCV002952239.3), dbSNP rs200241218, ClinGen allele CA397951185.